The following is an entry in ClinVar:

NM_004522.3(KIF5C):c.1294-172G>A

Gene: KIF5C (kinesin family member 5C; plus strand). Cytogenetic location: 2q23.1.
Variant type: single nucleotide variant.
Coding change: c.1294-172G>A on transcript NM_004522.3 (MANE Select); 172 bases into the intron before coding-DNA position 1294, G replaced by A.
Molecular consequence: intron variant.
Genome position (GRCh38, 1-based): chr2:148,978,750, G>A. VCF-style: chr2-148978750-G-A. GRCh37 (hg19) VCF-style: chr2-149835264-G-A.
Identifiers: ClinVar variation 682897 (VCV000682897.2), dbSNP rs60693991, ClinGen allele CA11128993.

ClinVar aggregate classification (germline): Benign. Review status: criteria provided, multiple submitters, no conflicts (2 of 4 stars). 2 submissions from 2 submitters: Benign (2). Last evaluated 2018-06-14.

Allele frequency attached by ClinVar (database versions not stated): 1000 Genomes Project 0.19549; 1000 Genomes Project 30x 0.20347; gnomAD 0.20635 and 0.21312; TOPMed 0.22256.
gnomAD v4.1: 31,291 of 152,102 alleles (21%); highest among the groups gnomAD compares: African/African-American, 38%; 4,231 homozygotes.

Submissions (2):

GeneDx
Classification: Benign. Last evaluated: 2018-06-14. Review status: criteria provided, single submitter. Criteria: GeneDx Variant Classification (06012015). Collection method: clinical testing. Allele origin: germline. Affected: yes.
Comment: This variant is considered likely benign or benign based on one or more of the following criteria: it is a conservative change, it occurs at a poorly conserved position in the protein, it is predicted to be benign by multiple in silico algorithms, and/or has population frequency not consistent with disease.

Breakthrough Genomics
Classification: Benign. Review status: criteria provided, single submitter. Criteria: ACMG Guidelines, 2015. Collection method: not provided. Allele origin: germline. Inheritance: Autosomal dominant inheritance. Affected: yes.